The following is an entry in ClinVar:

NM_004260.4(RECQL4):c.3513C>G (p.Cys1171Trp)

Gene: RECQL4 (RecQ like helicase 4; minus strand). Cytogenetic location: 8q24.3.
Variant type: single nucleotide variant.
Coding change: c.3513C>G on transcript NM_004260.4 (MANE Select); coding-DNA position 3513, C replaced by G.
Protein change: p.Cys1171Trp; replaces cysteine 1171 with tryptophan.
Molecular consequence: missense variant.
Genome position (GRCh38, 1-based): chr8:144,511,545, G>C on the plus strand (C>G on the coding strand, the complement: RECQL4 is on the minus strand). VCF-style: chr8-144511545-G-C. GRCh37 (hg19) VCF-style: chr8-145736928-G-C.
Other names: short protein forms C1171W.
Identifiers: ClinVar variation 1345859 (VCV001345859.6), dbSNP rs2130649211, ClinGen allele CA372666145.

ClinVar aggregate classification (germline): Uncertain significance (1 of 4 stars; one submission).

Conditions:
Baller-Gerold syndrome (BGS). Also called: CRANIOSYNOSTOSIS WITH RADIAL DEFECTS. Identifiers: Orphanet 1225, MedGen C0265308, MONDO:0009039, OMIM 218600.

Allele frequency attached by ClinVar (database versions not stated): gnomAD exomes below 0.00001.
gnomAD v4.1: 2 of 1,612,312 alleles (0.00012%); highest among the groups gnomAD compares: Non-Finnish European, 0.00017%; no homozygotes.

Submission:

Labcorp Genetics (formerly Invitae), Labcorp
Classification: Uncertain significance for Baller-Gerold syndrome. Last evaluated: 2023-08-29. Review status: criteria provided, single submitter. Criteria: Invitae Variant Classification Sherloc (09022015). Collection method: clinical testing. Allele origin: germline.
Comment: In summary, the available evidence is currently insufficient to determine the role of this variant in disease. Therefore, it has been classified as a Variant of Uncertain Significance. Advanced modeling of protein sequence and biophysical properties (such as structural, functional, and spatial information, amino acid conservation, physicochemical variation, residue mobility, and thermodynamic stability) performed at Invitae indicates that this missense variant is expected to disrupt RECQL4 protein function. ClinVar contains an entry for this variant (Variation ID: 1345859). This variant has not been reported in the literature in individuals affected with RECQL4-related conditions. This variant is not present in population databases (gnomAD no frequency). This sequence change replaces cysteine, which is neutral and slightly polar, with tryptophan, which is neutral and slightly polar, at codon 1171 of the RECQL4 protein (p.Cys1171Trp).